The following is an entry in ClinVar:

NM_004006.3(DMD):c.8789A>T (p.Asp2930Val)

Gene: DMD (dystrophin; minus strand). Cytogenetic location: Xp21.2.
Variant type: single nucleotide variant.
Coding change: c.8789A>T on transcript NM_004006.3 (MANE Select); coding-DNA position 8789, A replaced by T.
Protein change: p.Asp2930Val; replaces aspartic acid 2930 with valine.
Molecular consequence: missense variant.
Genome position (GRCh38, 1-based): chrX:31,478,254, T>A on the plus strand (A>T on the coding strand, the complement: DMD is on the minus strand). VCF-style: chrX-31478254-T-A. GRCh37 (hg19) VCF-style: chrX-31496371-T-A.
Other names: c.8765A>T, p.Asp2922Val (NM_000109.4); c.8777A>T, p.Asp2926Val (NM_004009.3); c.8420A>T, p.Asp2807Val (NM_004010.3); c.4766A>T, p.Asp1589Val (NM_004011.4); c.4757A>T, p.Asp1586Val (NM_004012.4); c.1409A>T, p.Asp470Val (NM_004013.3, NM_004020.4, NM_004021.3 and 2 more transcripts); c.602A>T, p.Asp201Val (NM_004014.3); short protein forms D2926V, D1589V, D201V, D2807V, D2922V, D2930V, D470V, D1586V.
Identifiers: ClinVar variation 4702904 (VCV004702904.2).

ClinVar aggregate classification (germline): Uncertain significance. Review status: criteria provided, multiple submitters, no conflicts (2 of 4 stars). 2 submissions from 2 submitters: Uncertain significance (2). Last evaluated 2025-07-14.

Conditions:
Duchenne muscular dystrophy (DMD). Also called: MUSCULAR DYSTROPHY, PSEUDOHYPERTROPHIC PROGRESSIVE, DUCHENNE TYPE; Duchenne Muscular Dystrophy (DMD). Identifiers: Orphanet 98896, MedGen C0013264, MONDO:0010679, OMIM 310200.

Submissions (2):

Labcorp Genetics (formerly Invitae), Labcorp
Classification: Uncertain significance for Duchenne muscular dystrophy. Last evaluated: 2025-07-14. Review status: criteria provided, single submitter. Criteria: Invitae Variant Classification Sherloc (09022015). Collection method: clinical testing. Allele origin: germline.
Comment: This sequence change replaces aspartic acid, which is acidic and polar, with valine, which is neutral and non-polar, at codon 2930 of the DMD protein (p.Asp2930Val). This variant is not present in population databases (gnomAD no frequency). This variant has not been reported in the literature in individuals affected with DMD-related conditions. Invitae Evidence Modeling of protein sequence and biophysical properties (such as structural, functional, and spatial information, amino acid conservation, physicochemical variation, residue mobility, and thermodynamic stability) indicates that this missense variant is not expected to disrupt DMD protein function with a negative predictive value of 95%. In summary, the available evidence is currently insufficient to determine the role of this variant in disease. Therefore, it has been classified as a Variant of Uncertain Significance.

Blueprint Genetics
Classification: Uncertain significance. Last evaluated: 2023-03-28. Review status: criteria provided, single submitter. Criteria: ACMG Guidelines, 2015. Collection method: clinical testing. Allele origin: germline.